The following is an entry in ClinVar:

ClinVar aggregate classification (germline): Likely pathogenic (1 of 4 stars; one submission).

Conditions:
X-linked Alport syndrome (ATS1). Also called: COL4A5-Related Nephropathy; NEPHROPATHY AND DEAFNESS, X-LINKED. Identifiers: Orphanet 63, Orphanet 88917, MedGen C4746986, MONDO:0010520, OMIM 301050.

Submissions (4):

Fulgent Genetics
Classification: Likely pathogenic for X-linked Alport syndrome. Last evaluated: 2021-06-30. Review status: criteria provided, single submitter. Criteria: ACMG Guidelines, 2015. Collection method: clinical testing. Allele origin: unknown.
Comment: This variant has been detected in individual(s) who were sent for testing of Renasight - kidney gene panel.

Dr. Peter K. Rogan Lab, Western University
No classification provided (evidence only). Condition: Thyroid cancer, nonmedullary, 1. Review status: no classification provided. Collection method: in vitro. Allele origin: not applicable. Functional consequence: skipped exon, retained intron. Not counted in ClinVar's aggregate classification.

Dr. Peter K. Rogan Lab, Western University
No classification provided (evidence only). Condition: Thyroid cancer, nonmedullary, 1. Review status: no classification provided. Collection method: in vitro. Allele origin: not applicable. Functional consequence: retained intron. Not counted in ClinVar's aggregate classification.

Dr. Peter K. Rogan Lab, Western University
No classification provided (evidence only). Condition: Nonpapillary renal cell carcinoma. Review status: no classification provided. Collection method: in vitro. Allele origin: not applicable. Functional consequence: retained intron. Not counted in ClinVar's aggregate classification.

NM_033380.3(COL4A5):c.91G>T (p.Gly31Trp)

Gene: COL4A5 (collagen type IV alpha 5 chain; plus strand). Cytogenetic location: Xq22.3.
Variant type: single nucleotide variant.
Coding change: c.91G>T on transcript NM_033380.3 (MANE Select); coding-DNA position 91, G replaced by T.
Protein change: p.Gly31Trp; replaces glycine 31 with tryptophan.
Molecular consequence: missense variant.
Genome position (GRCh38, 1-based): chrX:108,539,755, G>T. VCF-style: chrX-108539755-G-T. GRCh37 (hg19) VCF-style: chrX-107782985-G-T.
Other names: NC_000023.10:g.107782985G>T; c.91G>T, p.Gly31Trp (NM_000495.5); short protein forms G31W.
Identifiers: ClinVar variation 1179119 (VCV001179119.3), dbSNP rs2147657533, ClinGen allele CA413908501.